The following is an entry in ClinVar:

NM_012434.5(SLC17A5):c.1111+7G>A

Gene: SLC17A5 (solute carrier family 17 member 5; minus strand). Cytogenetic location: 6q13.
Variant type: single nucleotide variant.
Coding change: c.1111+7G>A on transcript NM_012434.5 (MANE Select); 7 bases into the intron after coding-DNA position 1111, G replaced by A.
Molecular consequence: intron variant.
Genome position (GRCh38, 1-based): chr6:73,615,308, C>T on the plus strand (G>A on the coding strand, the complement: SLC17A5 is on the minus strand). VCF-style: chr6-73615308-C-T. GRCh37 (hg19) VCF-style: chr6-74325031-C-T.
Identifiers: ClinVar variation 357924 (VCV000357924.29), dbSNP rs146729568, ClinGen allele CA3890353.

ClinVar aggregate classification (germline): Benign/Likely benign. Review status: criteria provided, multiple submitters, no conflicts (2 of 4 stars). 11 submissions from 9 submitters: Benign (7); Likely benign (1). 3 of the submissions do not count toward it. Last evaluated 2026-02-04.

Conditions:
Sialic acid storage disease, severe infantile type (ISSD). Also called: Free sialic acid storage disease, infantile form; N-ACETYLNEURAMINIC ACID STORAGE DISEASE; NANA STORAGE DISEASE; INFANTILE SIALIC ACID STORAGE DISORDER; SIALURIA, INFANTILE FORM; Infantile Sialic Acid Storage Disease. Identifiers: Orphanet 309324, Orphanet 834, MedGen C1096902, MONDO:0010027, OMIM 269920.
Salla disease (SD). Also called: Sialuria, Finnish type; N-acetylneuraminic acid (NANA) storage disease (NSD); Infantile sialic acid storage disorder (ISSD); Less Severe FSASD (Salla Disease). Identifiers: Orphanet 309334, Orphanet 834, MedGen C1096903, MONDO:0011449, OMIM 604369.

Allele frequency attached by ClinVar (database versions not stated): 1000 Genomes Project 30x 0.00765; 1000 Genomes Project 0.00779; TOPMed 0.01759; gnomAD 0.01941 and 0.01982; ESP Exome Variant Server 0.01945; ExAC 0.02027; gnomAD exomes 0.02159 and 0.02647.
gnomAD v4.1: 41,823 of 1,613,746 alleles (2.6%); highest among the groups gnomAD compares: Non-Finnish European, 2.8%; 712 homozygotes.

Submissions (11):

Labcorp Genetics (formerly Invitae), Labcorp
Classification: Benign for Salla disease. Last evaluated: 2026-02-04. Review status: criteria provided, single submitter. Criteria: Invitae Variant Classification Sherloc (09022015). Collection method: clinical testing. Allele origin: germline.

Genome-Nilou Lab
Classification: Benign for Salla disease. Last evaluated: 2021-07-10. Review status: criteria provided, single submitter. Criteria: ACMG Guidelines, 2015. Collection method: clinical testing. Allele origin: germline. Affected: no.

Genome-Nilou Lab
Classification: Benign for Sialic acid storage disease, severe infantile type. Last evaluated: 2021-07-10. Review status: criteria provided, single submitter. Criteria: ACMG Guidelines, 2015. Collection method: clinical testing. Allele origin: germline. Affected: no.

Women's Health and Genetics/Laboratory Corporation of America, LabCorp
Classification: Benign. Last evaluated: 2020-06-08. Review status: criteria provided, single submitter. Criteria: LabCorp Variant Classification Summary - May 2015. Collection method: clinical testing. Allele origin: germline.
Comment: Variant summary: SLC17A5 c.1111+7G>A alters a non-conserved nucleotide located close to a canonical splice site and therefore could affect mRNA splicing, leading to a significantly altered protein sequence. 4/4 computational tools predict no significant impact on normal splicing. However, these predictions have yet to be confirmed by functional studies. The variant allele was found at a frequency of 0.022 in 251238 control chromosomes in the gnomAD database, including 106 homozygotes. The observed variant frequency is approximately 9 fold of the estimated maximal expected allele frequency for a pathogenic variant in SLC17A5 causing Sialic Acid Storage Disorder phenotype (0.0024), strongly suggesting that the variant is benign. To our knowledge, no occurrence of c.1111+7G>A in individuals affected with Sialic Acid Storage Disorder and no experimental evidence demonstrating its impact on protein function have been reported. Three ClinVar submitters (evaluation after 2014) cite the variant as benign/likely benign. Based on the evidence outlined above, the variant was classified as benign.

Illumina Laboratory Services, Illumina
Classification: Benign for Sialic acid storage disease, severe infantile type. Last evaluated: 2018-01-12. Review status: criteria provided, single submitter. Criteria: ICSL Variant Classification Criteria 13 December 2019. Collection method: clinical testing. Allele origin: germline.
Comment: This variant was observed in the ICSL laboratory as part of a predisposition screen in an ostensibly healthy population. It had not been previously curated by ICSL or reported in the Human Gene Mutation Database (HGMD: prior to June 1st, 2018), and was therefore a candidate for classification through an automated scoring system. Utilizing variant allele frequency, disease prevalence and penetrance estimates, and inheritance mode, an automated score was calculated to assess if this variant is too frequent to cause the disease. Based on the score and internal cut-off values, a variant classified as benign is not then subjected to further curation. The score for this variant resulted in a classification of benign for this disease.

Illumina Laboratory Services, Illumina
Classification: Benign for Salla disease. Last evaluated: 2018-01-12. Review status: criteria provided, single submitter. Criteria: ICSL Variant Classification Criteria 13 December 2019. Collection method: clinical testing. Allele origin: germline.
Comment: the same text as in the submission from Illumina Laboratory Services, Illumina above.

GeneDx
Classification: Benign. Last evaluated: 2015-03-03. Review status: criteria provided, single submitter. Criteria: GeneDx Variant Classification Process June 2021. Collection method: clinical testing. Allele origin: germline. Affected: yes.

Breakthrough Genomics
Classification: Likely benign. Review status: criteria provided, single submitter. Criteria: ACMG Guidelines, 2015. Collection method: not provided. Allele origin: germline. Inheritance: Autosomal recessive inheritance. Affected: yes.

Natera, Inc.
Classification: Benign for Salla disease. Last evaluated: 2019-11-26. Review status: no assertion criteria provided. Collection method: clinical testing. Allele origin: germline. Not counted in ClinVar's aggregate classification.

Counsyl
Classification: Likely benign for Salla disease. Last evaluated: 2017-04-26. Review status: no assertion criteria provided. Collection method: clinical testing. Allele origin: unknown. Not counted in ClinVar's aggregate classification.

Mayo Clinic Laboratories, Mayo Clinic
Classification: Likely benign. Last evaluated: 2017-04-19. Review status: no assertion criteria provided. Collection method: clinical testing. Allele origin: unknown. Not counted in ClinVar's aggregate classification.